The following is an entry in ClinVar:

ClinVar aggregate classification (germline): Uncertain significance (1 of 4 stars; one submission).

Conditions:
Hajdu-Cheney syndrome (HJCYS). Also called: SERPENTINE FIBULA-POLYCYSTIC KIDNEY SYNDROME; Acroosteolysis dominant type; ACROOSTEOLYSIS WITH OSTEOPOROSIS AND CHANGES IN SKULL AND MANDIBLE. Identifiers: Orphanet 955, MedGen C0917715, MONDO:0007057, OMIM 102500.

Submission:

Labcorp Genetics (formerly Invitae), Labcorp
Classification: Uncertain significance for Hajdu-Cheney syndrome. Last evaluated: 2025-05-21. Review status: criteria provided, single submitter. Criteria: Invitae Variant Classification Sherloc (09022015). Collection method: clinical testing. Allele origin: germline.
Comment: This sequence change replaces glutamic acid, which is acidic and polar, with alanine, which is neutral and non-polar, at codon 1669 of the NOTCH2 protein (p.Glu1669Ala). This variant is not present in population databases (gnomAD no frequency). This variant has not been reported in the literature in individuals affected with NOTCH2-related conditions. Invitae Evidence Modeling of protein sequence and biophysical properties (such as structural, functional, and spatial information, amino acid conservation, physicochemical variation, residue mobility, and thermodynamic stability) indicates that this missense variant is not expected to disrupt NOTCH2 protein function with a negative predictive value of 80%. In summary, the available evidence is currently insufficient to determine the role of this variant in disease. Therefore, it has been classified as a Variant of Uncertain Significance.

NM_024408.4(NOTCH2):c.5006A>C (p.Glu1669Ala)

Gene: NOTCH2 (notch receptor 2; minus strand). Cytogenetic location: 1p12.
Variant type: single nucleotide variant.
Coding change: c.5006A>C on transcript NM_024408.4 (MANE Select); coding-DNA position 5006, A replaced by C.
Protein change: p.Glu1669Ala; replaces glutamic acid 1669 with alanine.
Molecular consequence: missense variant.
Genome position (GRCh38, 1-based): chr1:119,922,443, T>G on the plus strand (A>C on the coding strand, the complement: NOTCH2 is on the minus strand). VCF-style: chr1-119922443-T-G. GRCh37 (hg19) VCF-style: chr1-120465066-T-G.
Other names: short protein forms E1669A.
Identifiers: ClinVar variation 4810329 (VCV004810329.1).